The following is an entry in ClinVar:

ClinVar aggregate classification (germline): Uncertain significance. Review status: criteria provided, multiple submitters, no conflicts (2 of 4 stars). 4 submissions from 4 submitters: Uncertain significance (3). 1 of the submissions does not count toward it. Last evaluated 2025-04-02.

Conditions:
Inborn genetic diseases. Identifiers: MedGen C0950123, MeSH D030342.
Autosomal recessive limb-girdle muscular dystrophy type 2A (LGMDR1). Also called: LEYDEN-MOEBIUS MUSCULAR DYSTROPHY; MUSCULAR DYSTROPHY, PELVOFEMORAL; Limb-girdle muscular dystrophy, type 2A; Muscular dystrophy, limb-girdle, type 2A, Amish; Calpainopathy. Identifiers: Orphanet 267, MedGen C1869123, MONDO:0009675, OMIM 253600. Disease mechanism: loss of function.

Allele frequency attached by ClinVar (database versions not stated): gnomAD below 0.00001 and 0.00001; ExAC 0.00003; gnomAD exomes 0.00004.
gnomAD v4.1: 27 of 1,613,740 alleles (0.0017%); highest among the groups gnomAD compares: South Asian, 0.022%; 1 homozygote.

Submissions (4):

Ambry Genetics
Classification: Uncertain significance for Inborn genetic diseases. Last evaluated: 2025-04-02. Review status: criteria provided, single submitter. Criteria: Ambry Variant Classification Scheme 2023. Collection method: clinical testing. Allele origin: germline.

GeneDx
Classification: Uncertain significance. Last evaluated: 2025-02-07. Review status: criteria provided, single submitter. Criteria: GeneDx Variant Classification Process June 2021. Collection method: clinical testing. Allele origin: germline. Affected: yes.
Comment: In silico analysis supports that this missense variant has a deleterious effect on protein structure/function; Has not been previously published as pathogenic or benign to our knowledge

Labcorp Genetics (formerly Invitae), Labcorp
Classification: Uncertain significance for Autosomal recessive limb-girdle muscular dystrophy type 2A. Last evaluated: 2021-09-01. Review status: criteria provided, single submitter. Criteria: Invitae Variant Classification Sherloc (09022015). Collection method: clinical testing. Allele origin: germline.
Comment: This sequence change replaces alanine with threonine at codon 335 of the CAPN3 protein (p.Ala335Thr). The alanine residue is highly conserved and there is a small physicochemical difference between alanine and threonine. This variant is present in population databases (rs779526097, ExAC 0.02%). This variant has not been reported in the literature in individuals affected with CAPN3-related conditions. Algorithms developed to predict the effect of missense changes on protein structure and function are either unavailable or do not agree on the potential impact of this missense change (SIFT: "Deleterious"; PolyPhen-2: "Probably Damaging"; Align-GVGD: "Class C0"). In summary, the available evidence is currently insufficient to determine the role of this variant in disease. Therefore, it has been classified as a Variant of Uncertain Significance.

Natera, Inc.
Classification: Uncertain significance for Limb-girdle muscular dystrophy type 2A. Last evaluated: 2020-02-13. Review status: no assertion criteria provided. Collection method: clinical testing. Allele origin: germline. Not counted in ClinVar's aggregate classification.

NM_000070.3(CAPN3):c.1003G>A (p.Ala335Thr)

Gene: CAPN3 (calpain 3; plus strand). Cytogenetic location: 15q15.1.
Variant type: single nucleotide variant.
Coding change: c.1003G>A on transcript NM_000070.3 (MANE Select); coding-DNA position 1003, G replaced by A.
Protein change: p.Ala335Thr; replaces alanine 335 with threonine.
Molecular consequence: missense variant.
Genome position (GRCh38, 1-based): chr15:42,392,696, G>A. VCF-style: chr15-42392696-G-A. GRCh37 (hg19) VCF-style: chr15-42684894-G-A.
Other names: c.1003G>A, p.Ala335Thr (NM_024344.2); c.859G>A, p.Ala287Thr (NM_173087.2); short protein forms A335T, A287T.
Identifiers: ClinVar variation 965654 (VCV000965654.12), dbSNP rs779526097, ClinGen allele CA7511213.
Genomic context (GRCh38, chr15:42,392,696, plus strand): 5'-CAGACAATCATTCCGGTTCAGTATGAGACAAGAATGGCCTGCGGGCTGGTCAGAGGTCAC[G>A]CCTACTCTGTCACGGGGCTGGATGAGGTAAGCCTGGTGGGGCTTGGTGGGGCAAGGGCAC-3'
Protein context (NP_000061.1, residues 325-345): RMACGLVRGH[Ala335Thr]YSVTGLDEVP